The following is an entry in ClinVar:

NM_000286.3(PEX12):c.570A>G (p.Ser190=)

Gene: PEX12 (peroxisomal biogenesis factor 12; minus strand). Cytogenetic location: 17q12.
Variant type: single nucleotide variant.
Coding change: c.570A>G on transcript NM_000286.3 (MANE Select); coding-DNA position 570, A replaced by G.
Protein change: p.Ser190=; no amino-acid change (serine 190 retained).
Molecular consequence: synonymous variant.
Genome position (GRCh38, 1-based): chr17:35,577,148, T>C on the plus strand (A>G on the coding strand, the complement: PEX12 is on the minus strand). VCF-style: chr17-35577148-T-C. GRCh37 (hg19) VCF-style: chr17-33904167-T-C.
Identifiers: ClinVar variation 594596 (VCV000594596.18), dbSNP rs758132842, ClinGen allele CA8504888.

ClinVar aggregate classification (germline): Conflicting classifications of pathogenicity. Review status: criteria provided, conflicting classifications (1 of 4 stars). 4 submissions from 4 submitters: Uncertain significance (1); Likely benign (2). 1 of the submissions does not count toward it. Last evaluated 2026-01-31.

Conditions:
PEX12-related disorder. Also called: PEX12-related condition; PEX12-related disorders.
Peroxisome biogenesis disorder 3A (Zellweger). Also called: PEROXISOMAL BIOGENESIS DISORDER 3A (ZELLWEGER); Peroxisome biogenesis disorder 3A. Identifiers: Orphanet 912, MedGen C3553929, MONDO:0013927, OMIM 614859.

Allele frequency attached by ClinVar (database versions not stated): gnomAD 0.00002 and 0.00003; gnomAD exomes 0.00005 and 0.00007; ExAC 0.00007; TOPMed 0.00007.

Submissions (4):

Labcorp Genetics (formerly Invitae), Labcorp
Classification: Likely benign for Peroxisome biogenesis disorder 3A (Zellweger). Last evaluated: 2026-01-31. Review status: criteria provided, single submitter. Criteria: Invitae Variant Classification Sherloc (09022015). Collection method: clinical testing. Allele origin: germline.

Blueprint Genetics
Classification: Likely benign. Last evaluated: 2024-06-24. Review status: criteria provided, single submitter. Criteria: ACMG Guidelines, 2015. Collection method: clinical testing. Allele origin: germline.

Eurofins Ntd Llc (ga)
Classification: Uncertain significance. Last evaluated: 2017-10-25. Review status: criteria provided, single submitter. Criteria: EGL Classification Definitions 2015. Collection method: clinical testing. Allele origin: germline. Observed: 1 variant allele, 1 heterozygote.

PreventionGenetics, part of Exact Sciences
Classification: Likely benign for PEX12-related condition. Last evaluated: 2022-11-09. Review status: no assertion criteria provided. Collection method: clinical testing. Allele origin: germline. Not counted in ClinVar's aggregate classification.
Comment: This variant is classified as likely benign based on ACMG/AMP sequence variant interpretation guidelines (Richards et al. 2015 PMID: 25741868, with internal and published modifications).